The following is an entry in ClinVar:

NM_052947.4(ALPK2):c.116C>T (p.Pro39Leu)

Gene: ALPK2 (alpha kinase 2; minus strand). Cytogenetic location: 18q21.32.
Variant type: single nucleotide variant.
Coding change: c.116C>T on transcript NM_052947.4 (MANE Select); coding-DNA position 116, C replaced by T.
Protein change: p.Pro39Leu; replaces proline 39 with leucine.
Molecular consequence: missense variant.
Genome position (GRCh38, 1-based): chr18:58,607,433, G>A on the plus strand (C>T on the coding strand, the complement: ALPK2 is on the minus strand). VCF-style: chr18-58607433-G-A. GRCh37 (hg19) VCF-style: chr18-56274665-G-A.
Other names: short protein forms P39L.
Identifiers: ClinVar variation 1739157 (VCV001739157.3), dbSNP rs774290524, ClinGen allele CA8977528.
Genomic context (GRCh38, chr18:58,607,433, plus strand): 5'-GAAATAATGCCACTCCCATCGATGGCCTGACCATTCTTATACCAAGTTACCTCTGGCTTG[G>A]GCTGACCTGACAATAAAGAAAGAAAAGTATCCTTATTAGTTTAAGTATTTTTAGGAAAAA-3'
Protein context (NP_443179.3, residues 29-49): AVLRCIISGQ[Pro39Leu]KPEVTWYKNG

ClinVar aggregate classification (germline): Uncertain significance (1 of 4 stars; one submission).

Allele frequency attached by ClinVar (database versions not stated): gnomAD exomes below 0.00001; gnomAD 0.00001; ExAC 0.00002.
gnomAD v4.1: 2 of 1,600,870 alleles (0.00012%); highest among the groups gnomAD compares: Non-Finnish European, 0.00017%; no homozygotes.

Submission:

Ambry Genetics
Classification: Uncertain significance. Last evaluated: 2023-08-13. Review status: criteria provided, single submitter. Criteria: Ambry Variant Classification Scheme 2023. Collection method: clinical testing. Allele origin: germline.
Comment: The p.P39L variant (also known as c.116C>T), located in coding exon 2 of the ALPK2 gene, results from a C to T substitution at nucleotide position 116. The proline at codon 39 is replaced by leucine, an amino acid with similar properties. This amino acid position is conserved. In addition, the in silico prediction for this alteration is inconclusive. Since supporting evidence is limited at this time, the clinical significance of this alteration remains unclear.